The following is an entry in ClinVar:

ClinVar aggregate classification (germline): Uncertain significance (1 of 4 stars; one submission).

Submission:

GeneDx
Classification: Uncertain significance. Last evaluated: 2020-10-13. Review status: criteria provided, single submitter. Criteria: GeneDx Variant Classification Process June 2021. Collection method: clinical testing. Allele origin: germline. Affected: yes.
Comment: Not observed in large population cohorts (Lek et al., 2016); In silico analysis supports that this missense variant has a deleterious effect on protein structure/function; Has not been previously published as pathogenic or benign to our knowledge

NM_207361.6(FREM2):c.5148C>A (p.Asn1716Lys)

Gene: FREM2 (FRAS1 related extracellular matrix 2; plus strand). Cytogenetic location: 13q13.3.
Variant type: single nucleotide variant.
Coding change: c.5148C>A on transcript NM_207361.6 (MANE Select); coding-DNA position 5148, C replaced by A.
Protein change: p.Asn1716Lys; replaces asparagine 1716 with lysine.
Molecular consequence: missense variant.
Genome position (GRCh38, 1-based): chr13:38,692,492, C>A. VCF-style: chr13-38692492-C-A. GRCh37 (hg19) VCF-style: chr13-39266629-C-A.
Other names: short protein forms N1716K.
Identifiers: ClinVar variation 1313240 (VCV001313240.2), dbSNP rs2138073287, ClinGen allele CA387894644.